The following is an entry in ClinVar:

NM_003327.4(TNFRSF4):c.223G>A (p.Val75Met)

Gene: TNFRSF4 (TNF receptor superfamily member 4; minus strand). Cytogenetic location: 1p36.33.
Variant type: single nucleotide variant.
Coding change: c.223G>A on transcript NM_003327.4 (MANE Select); coding-DNA position 223, G replaced by A.
Protein change: p.Val75Met; replaces valine 75 with methionine.
Molecular consequence: missense variant.
Genome position (GRCh38, 1-based): chr1:1,213,708, C>T on the plus strand (G>A on the coding strand, the complement: TNFRSF4 is on the minus strand). VCF-style: chr1-1213708-C-T. GRCh37 (hg19) VCF-style: chr1-1149088-C-T.
Other names: short protein forms V75M.
Identifiers: ClinVar variation 942906 (VCV000942906.11), dbSNP rs201012235, ClinGen allele CA512616.

ClinVar aggregate classification (germline): Uncertain significance. Review status: criteria provided, multiple submitters, no conflicts (2 of 4 stars). 2 submissions from 2 submitters: Uncertain significance (2). Last evaluated 2025-12-14.

Conditions:
Combined immunodeficiency due to OX40 deficiency. Also called: OX40 DEFICIENCY; Immunodeficiency 16. Identifiers: Orphanet 431149, MedGen C3810053, MONDO:0014268, OMIM 615593.

Allele frequency attached by ClinVar (database versions not stated): gnomAD exomes below 0.00001 and 0.00001; ExAC 0.00002; TOPMed 0.00004; gnomAD 0.00006; 1000 Genomes Project 30x 0.00016; 1000 Genomes Project 0.00020.
gnomAD v4.1: 26 of 1,598,848 alleles (0.0016%); highest among the groups gnomAD compares: African/African-American, 0.012%; no homozygotes.

Submissions (2):

Labcorp Genetics (formerly Invitae), Labcorp
Classification: Uncertain significance for Combined immunodeficiency due to OX40 deficiency. Last evaluated: 2025-12-14. Review status: criteria provided, single submitter. Criteria: Invitae Variant Classification Sherloc (09022015). Collection method: clinical testing. Allele origin: germline.
Comment: This sequence change replaces valine, which is neutral and non-polar, with methionine, which is neutral and non-polar, at codon 75 of the TNFRSF4 protein (p.Val75Met). The frequency data for this variant in the population databases is considered unreliable, as metrics indicate poor data quality at this position in the gnomAD database. This variant has not been reported in the literature in individuals affected with TNFRSF4-related conditions. ClinVar contains an entry for this variant (Variation ID: 942906). Invitae Evidence Modeling of protein sequence and biophysical properties (such as structural, functional, and spatial information, amino acid conservation, physicochemical variation, residue mobility, and thermodynamic stability) indicates that this missense variant is not expected to disrupt TNFRSF4 protein function with a negative predictive value of 80%. Algorithms developed to predict the effect of sequence changes on RNA splicing suggest that this variant may create or strengthen a splice site. In summary, the available evidence is currently insufficient to determine the role of this variant in disease. Therefore, it has been classified as a Variant of Uncertain Significance.

Ambry Genetics
Classification: Uncertain significance. Last evaluated: 2025-10-18. Review status: criteria provided, single submitter. Criteria: Ambry Variant Classification Scheme 2023. Collection method: clinical testing. Allele origin: germline.